The following is an entry in ClinVar:

ClinVar aggregate classification (germline): Uncertain significance (1 of 4 stars; one submission).

Submission:

Dasa
Classification: Uncertain significance. Last evaluated: 2025-12-12. Review status: criteria provided, single submitter. Criteria: DASA Assertion Criteria. Collection method: clinical testing. Allele origin: germline.
Comment: NM_152641.4(ARID2):c.145G>A (p.Gly49Ser) is a missense variant that results in the substitution of glycine with serine. This variant is rare in population databases. Computational prediction algorithms are consistent with a benign effect. The currently available literature and clinical evidence are not sufficient to establish a definitive association between this variant and the reported condition. Therefore, this variant is classified as a variant of uncertain significance.

NM_152641.4(ARID2):c.145G>A (p.Gly49Ser)

Genes: ARID2 (AT-rich interaction domain 2; plus strand), LOC130007728 (ATAC-STARR-seq lymphoblastoid silent region 4376; plus strand). Cytogenetic location: 12q12.
Variant type: single nucleotide variant.
Coding change: c.145G>A on transcript NM_152641.4 (MANE Select); coding-DNA position 145, G replaced by A.
Protein change: p.Gly49Ser; replaces glycine 49 with serine.
Molecular consequence: missense variant.
Genome position (GRCh38, 1-based): chr12:45,730,096, G>A. VCF-style: chr12-45730096-G-A. GRCh37 (hg19) VCF-style: chr12-46123879-G-A.
Other names: c.145G>A, p.Gly49Ser (NM_001347839.2); short protein forms G49S.
Identifiers: ClinVar variation 4882792 (VCV004882792.2).